The following is an entry in ClinVar:

ClinVar aggregate classification (germline): Benign (1 of 4 stars; one submission).

Conditions:
Leigh syndrome (NULS). Also called: Leigh's necrotizing encephalopathy; Leigh's disease; Leigh Syndrome (mtDNA deletion); Leigh Disease; Subacute necrotizing encephalopathy; Necrotizing encephalopathy infantile subacute of Leigh. Identifiers: Orphanet 506, MedGen C2931891, MONDO:0009723, OMIM 256000.

Submission:

Wong Mito Lab, Molecular and Human Genetics, Baylor College of Medicine
Classification: Benign for Leigh syndrome. Last evaluated: 2019-10-17. Review status: criteria provided, single submitter. Criteria: Modified ACMG Guidelines (Unpublished). Collection method: clinical testing. Allele origin: germline.
Comment: The NC_012920.1:m.8752A>G (YP_003024031.1:p.Ile76Val) variant in MTATP6 gene is interpretated to be a Benign variant based on the modified ACMG guidelines (unpublished). This variant meets the following evidence codes: BS1, BS4

NC_012920.1(MT-ATP6):m.8752A>G

Gene: MT-ATP6 (mitochondrially encoded ATP synthase 6; plus strand).
Variant type: single nucleotide variant.
Genome position: chrM-8752-A-G.
Identifiers: ClinVar variation 692974 (VCV000692974.1), dbSNP rs1603221770, ClinGen allele CA414797849.